The following is an entry in ClinVar:

ClinVar aggregate classification (germline): Pathogenic (1 of 4 stars; one submission).

Conditions:
Autism spectrum disorder - epilepsy - arthrogryposis syndrome (AMRS). Identifiers: Orphanet 370943, MedGen C3809910, MONDO:0014248, OMIM 615553.

Submission:

Labcorp Genetics (formerly Invitae), Labcorp
Classification: Pathogenic for Autism spectrum disorder - epilepsy - arthrogryposis syndrome. Last evaluated: 2023-03-29. Review status: criteria provided, single submitter. Criteria: Invitae Variant Classification Sherloc (09022015). Collection method: clinical testing. Allele origin: germline.
Comment: For these reasons, this variant has been classified as Pathogenic. Retrotransposon insertions including LINE1 (L1), Alu, and SVA (SINE-VNTR-Alu) have been reported to be disease-causing through disruption of either a coding region or splice site (PMID: 19763152, 20307669, 22406018) and loss-of-function variants in SLC35A3 are known to be pathogenic (PMID: 24031089, 28328131). This variant has not been reported in the literature in individuals affected with SLC35A3-related conditions. This sequence change inserts a large fragment of DNA, likely a transposable element, in exon 5 of the SLC35A3 gene (c.605_606ins?), causing a frameshift at codon 202 (p.Gln202fs?). The exact size and sequence of the insertion cannot be determined by the current assay. However, the insertion is expected to result in an absent or disrupted protein product.

Literature cited by the submitters: PubMed 19763152; PubMed 20307669; PubMed 22406018; PubMed 24031089; PubMed 28328131.

NM_012243.3(SLC35A3):c.605_606insGGAGGCAGAGGTTGCAGTGAGCCGAGATTGCACCACTGCACTCCACCCAGACAACAGAGCAAGACTCCGTCTCANNNNNNNNNNAAAAAAAAAAAAAAAAAAAAAAAAGAAACAAAACA (p.Ser203fs)

Gene: SLC35A3 (solute carrier family 35 member A3; plus strand). Cytogenetic location: 1p21.2.
Variant type: Microsatellite.
Coding change: c.605_606insGGAGGCAGAGGTTGCAGTGAGCCGAGATTGCACCACTGCACTCCACCCAGACAACAGAGCAAGACTCCGTCTCANNNNNNNNNNAAAAAAAAAAAAAAAAAAAAAAAAGAAACAAAACA on transcript NM_012243.3 (MANE Select); coding-DNA positions 605 to 606, GGAGGCAGAGGTTGCAGTGAGCCGAGATTGCACCACTGCACTCCACCCAGACAACAGAGCAAGACTCCGTCTCANNNNNNNNNNAAAAAAAAAAAAAAAAAAAAAAAAGAAACAAAACA inserted.
Protein change: p.Ser203fs; shifts the reading frame from serine 203.
Molecular consequence: frameshift variant.
Genome position: GRCh38: chr1:100,011,490-100,011,504. GRCh37 (hg19), VCF-style position (the base before the change): chr1:100,477,045.
Other names: c.591_605A[4]GAAACAAAACAGGAGGCAGAGGTTGCAGTGAGCCGAGATTGCACCACTGCACTCCACCCAGACAACAGAGCAAGACTCCGTCTCANNNNNNNNNNAAAAAAAAAAAAAAAAAAAAAAAAGAAACAAAACA[1], p.Ser203fs (NM_001271684.2); c.731_732insGGAGGCAGAGGTTGCAGTGAGCCGAGATTGCACCACTGCACTCCACCCAGACAACAGAGCAAGACTCCGTCTCANNNNNNNNNNAAAAAAAAAAAAAAAAAAAAAAAAGAAACAAAACA, p.Ser245fs (NM_001271685.2); short protein forms S203fs, S245fs.
Identifiers: ClinVar variation 2850548 (VCV002850548.3).